The following is an entry in ClinVar:

NM_001257096.2(PAX1):c.*14C>A

Gene: PAX1 (paired box 1; plus strand). Cytogenetic location: 20p11.22.
Variant type: single nucleotide variant.
Coding change: c.*14C>A on transcript NM_001257096.2 (MANE Select); 14 bases downstream of the stop codon, C replaced by A.
Molecular consequence: 3 prime UTR variant. On other transcripts: synonymous variant (1).
Genome position (GRCh38, 1-based): chr20:21,714,576, C>A. VCF-style: chr20-21714576-C-A. GRCh37 (hg19) VCF-style: chr20-21695214-C-A.
Other names: c.1378C>A, p.Arg460= (NM_006192.5).
Identifiers: ClinVar variation 715199 (VCV000715199.14), dbSNP rs183464369, ClinGen allele CA9786771.

ClinVar aggregate classification (germline): Benign/Likely benign. Review status: criteria provided, multiple submitters, no conflicts (2 of 4 stars). 4 submissions from 4 submitters: Benign (1); Likely benign (2). 1 of the submissions does not count toward it. Last evaluated 2026-05-01.

Conditions:
PAX1-related disorder. Also called: PAX1-related condition.

Allele frequency attached by ClinVar (database versions not stated): gnomAD 0.00137; 1000 Genomes Project 30x 0.00156; 1000 Genomes Project 0.00180; TOPMed 0.00182; ESP Exome Variant Server 0.00195.
gnomAD v4.1: 478 of 1,580,668 alleles (0.03%); highest among the groups gnomAD compares: African/African-American, 0.55%; 2 homozygotes.

Submissions (4):

CeGaT Center for Human Genetics Tuebingen
Classification: Likely benign. Last evaluated: 2026-05-01. Review status: criteria provided, single submitter. Criteria: CeGaT Center For Human Genetics Tuebingen Variant Classification Criteria Version 2. Collection method: clinical testing. Allele origin: germline. Affected: yes. Observed: 1 variant allele.
Comment: PAX1: BP4, BP7

Labcorp Genetics (formerly Invitae), Labcorp
Classification: Benign. Last evaluated: 2026-01-26. Review status: criteria provided, single submitter. Criteria: Invitae Variant Classification Sherloc (09022015). Collection method: clinical testing. Allele origin: germline.

Blueprint Genetics
Classification: Likely benign. Last evaluated: 2024-11-11. Review status: criteria provided, single submitter. Criteria: ACMG Guidelines, 2015. Collection method: clinical testing. Allele origin: germline.

PreventionGenetics, part of Exact Sciences
Classification: Likely benign for PAX1-related condition. Last evaluated: 2019-06-26. Review status: no assertion criteria provided. Collection method: clinical testing. Allele origin: germline. Not counted in ClinVar's aggregate classification.
Comment: This variant is classified as likely benign based on ACMG/AMP sequence variant interpretation guidelines (Richards et al. 2015 PMID: 25741868, with internal and published modifications).